The following is an entry in ClinVar:

ClinVar aggregate classification (germline): Uncertain significance (1 of 4 stars; one submission).

Submission:

Ambry Genetics
Classification: Uncertain significance. Last evaluated: 2021-09-01. Review status: criteria provided, single submitter. Criteria: Ambry Variant Classification Scheme 2023. Collection method: clinical testing. Allele origin: germline.
Comment: The p.C1475Y variant (also known as c.4424G>A), located in coding exon 16 of the POLQ gene, results from a G to A substitution at nucleotide position 4424. The cysteine at codon 1475 is replaced by tyrosine, an amino acid with highly dissimilar properties. This amino acid position is conserved. In addition, this alteration is predicted to be tolerated by in silico analysis. Since supporting evidence is limited at this time, the clinical significance of this alteration remains unclear.

NM_199420.4(POLQ):c.4424G>A (p.Cys1475Tyr)

Gene: POLQ (DNA polymerase theta; minus strand). Cytogenetic location: 3q13.33.
Variant type: single nucleotide variant.
Coding change: c.4424G>A on transcript NM_199420.4 (MANE Select); coding-DNA position 4424, G replaced by A.
Protein change: p.Cys1475Tyr; replaces cysteine 1475 with tyrosine.
Molecular consequence: missense variant.
Genome position (GRCh38, 1-based): chr3:121,488,507, C>T on the plus strand (G>A on the coding strand, the complement: POLQ is on the minus strand). VCF-style: chr3-121488507-C-T. GRCh37 (hg19) VCF-style: chr3-121207354-C-T.
Other names: short protein forms C1475Y.
Identifiers: ClinVar variation 1740502 (VCV001740502.2), dbSNP rs2546785919, ClinGen allele CA354095181.
Genomic context (GRCh38, chr3:121,488,507, plus strand): 5'-CTGAAGCTATCAAATAGTAAACTATCACTCATATTCAAACTTGTTTCAGGAACTGGAAGA[C>T]ATTCTCCTTCTACACCAGTGGGAGTTCTCTTTTGAGGAATCAGAAGTATAACTGGTTTCA-3'
Protein context (NP_955452.3, residues 1465-1485): KRTPTGVEGE[Cys1475Tyr]LPVPETSLNM